The following is an entry in ClinVar:

NM_145059.3(FCSK):c.1298C>T (p.Pro433Leu)

Gene: FCSK (fucose kinase; plus strand). Cytogenetic location: 16q22.1.
Variant type: single nucleotide variant.
Coding change: c.1298C>T on transcript NM_145059.3 (MANE Select); coding-DNA position 1298, C replaced by T.
Protein change: p.Pro433Leu; replaces proline 433 with leucine.
Molecular consequence: missense variant.
Genome position (GRCh38, 1-based): chr16:70,471,309, C>T. VCF-style: chr16-70471309-C-T. GRCh37 (hg19) VCF-style: chr16-70505212-C-T.
Other names: short protein forms P433L.
Identifiers: ClinVar variation 2414983 (VCV002414983.5), dbSNP rs201478159, ClinGen allele CA8143269.

ClinVar aggregate classification (germline): Uncertain significance (1 of 4 stars; one submission).

Allele frequency attached by ClinVar (database versions not stated): gnomAD exomes 0.00002; ExAC 0.00003; gnomAD 0.00010; TOPMed 0.00011; 1000 Genomes Project 30x 0.00016; 1000 Genomes Project 0.00020.
gnomAD v4.1: 36 of 1,600,540 alleles (0.0022%); highest among the groups gnomAD compares: African/African-American, 0.029%; no homozygotes.

Submission:

Labcorp Genetics (formerly Invitae), Labcorp
Classification: Uncertain significance. Last evaluated: 2025-08-21. Review status: criteria provided, single submitter. Criteria: Invitae Variant Classification Sherloc (09022015). Collection method: clinical testing. Allele origin: germline.
Comment: This sequence change replaces proline, which is neutral and non-polar, with leucine, which is neutral and non-polar, at codon 433 of the FUK protein (p.Pro433Leu). The frequency data for this variant in the population databases is considered unreliable, as metrics indicate poor data quality at this position in the gnomAD database. This variant has not been reported in the literature in individuals affected with FUK-related conditions. ClinVar contains an entry for this variant (Variation ID: 2414983). An algorithm developed to predict the effect of missense changes on protein structure and function outputs the following: PolyPhen-2: "Benign". The leucine amino acid residue is found in multiple mammalian species, which suggests that this missense change does not adversely affect protein function. In summary, the available evidence is currently insufficient to determine the role of this variant in disease. Therefore, it has been classified as a Variant of Uncertain Significance.